The following is an entry in ClinVar:

NM_003859.3(DPM1):c.55G>A (p.Val19Met)

Genes: DPM1 (dolichyl-phosphate mannosyltransferase subunit 1, catalytic; minus strand), LOC130066166 (ATAC-STARR-seq lymphoblastoid active region 18108; plus strand). Cytogenetic location: 20q13.13.
Variant type: single nucleotide variant.
Coding change: c.55G>A on transcript NM_003859.3 (MANE Select); coding-DNA position 55, G replaced by A.
Protein change: p.Val19Met; replaces valine 19 with methionine.
Molecular consequence: missense variant. On other transcripts: non-coding transcript variant (1).
Genome position (GRCh38, 1-based): chr20:50,958,469, C>T on the plus strand (G>A on the coding strand, the complement: DPM1 is on the minus strand). VCF-style: chr20-50958469-C-T. GRCh37 (hg19) VCF-style: chr20-49575006-C-T.
Other names: c.55G>A, p.Val19Met (NM_001317034.1, NM_001317035.1, NM_001317036.1); short protein forms V19M.
Identifiers: ClinVar variation 3359784 (VCV003359784.1).

ClinVar aggregate classification (germline): Uncertain significance (1 of 4 stars; one submission).

gnomAD v4.1: 41 of 1,613,896 alleles (0.0025%); highest among the groups gnomAD compares: South Asian, 0.0099%; no homozygotes.

Submission:

GeneDx
Classification: Uncertain significance. Last evaluated: 2023-06-16. Review status: criteria provided, single submitter. Criteria: GeneDx Variant Classification Process June 2021. Collection method: clinical testing. Allele origin: germline. Affected: yes.
Comment: Not observed at significant frequency in large population cohorts (gnomAD); In silico analysis supports that this missense variant does not alter protein structure/function; Has not been previously published as pathogenic or benign to our knowledge